The following is an entry in ClinVar:

ClinVar aggregate classification (germline): Conflicting classifications of pathogenicity. Review status: criteria provided, conflicting classifications (1 of 4 stars). 4 submissions from 4 submitters: Likely pathogenic (3); Uncertain significance (1). Last evaluated 2026-08-19.

Conditions:
CERKL-related disorder. Also called: CERKL-related condition.
CERKL-related disorders.
Retinitis pigmentosa 26 (RP26). Identifiers: Orphanet 791, MedGen C1842127, MONDO:0012024, OMIM 608380.

Allele frequency attached by ClinVar (database versions not stated): TOPMed below 0.00001; gnomAD 0.00001; gnomAD exomes 0.00001.

Submissions (5):

PreventionGenetics, part of Exact Sciences
Classification: Likely pathogenic for CERKL-related condition. Last evaluated: 2026-08-19. Review status: criteria provided, single submitter. Criteria: ACMG Guidelines, 2015. Collection method: clinical testing. Allele origin: germline.
Comment: The CERKL c.1644T>G variant is predicted to result in premature protein termination (p.Tyr548*). To our knowledge, this variant has not been previously reported in the literature. This variant is located in the last exon of the gene, and therefore the resulting transcript may or may not undergo nonsense-mediated decay. However, several similar protein-truncating variants in this region (p.Gly549Lysfs*2 and p.Ile545Metfs*8; see Holtan et al. 2020. PubMed ID: 31429209 and Hitti-Malin et al. 2024. PubMed ID: 38540785) have been reported in retinal disease cohorts. This variant is reported in 0.0027% of alleles in individuals of European (Non-Finnish) descent in gnomAD. Nonsense variants in CERKL are expected to be pathogenic. This variant is interpreted as likely pathogenic.

Myriad Genetics, Inc.
Classification: Uncertain significance for Retinitis pigmentosa 26. Last evaluated: 2026-02-11. Review status: criteria provided, single submitter. Criteria: Myriad Autosomal Dominant, Autosomal Recessive and X-Linked Classification Criteria (2023). Collection method: clinical testing. Allele origin: unknown.
Comment: NM_001030311.2(CERKL):c.1644T>G(Y548*) is a nonsense variant classified as a variant of uncertain significance in the context of retinitis pigmentosa, CERKL-related. Y548* has not been observed in cases with relevant disease. Relevant functional assessments of this variant are not available in the literature. Y548* has been observed in referenced population frequency databases. In summary, there is insufficient evidence to classify NM_001030311.2(CERKL):c.1644T>G(Y548*) as pathogenic or benign. Please note: this variant was assessed in the context of healthy population screening.

Fulgent Genetics
Classification: Likely pathogenic for Retinitis pigmentosa 26. Last evaluated: 2024-04-22. Review status: criteria provided, single submitter. Criteria: ACMG Guidelines, 2015. Collection method: clinical testing. Allele origin: germline.

Blueprint Genetics
Classification: Likely pathogenic for CERKL-related disorders. Last evaluated: 2019-04-02. Review status: criteria provided, single submitter. Criteria: ACMG Guidelines, 2015. Collection method: clinical testing. Allele origin: germline. Affected: yes. Observed: 2 variant alleles.

Dr. Peter K. Rogan Lab, Western University
No classification provided (evidence only). Condition: Acute myeloid leukemia. Review status: no classification provided. Collection method: in vitro. Allele origin: not applicable. Functional consequence: retained intron. Not counted in ClinVar's aggregate classification.

NM_201548.5(CERKL):c.1566T>G (p.Tyr522Ter)

Genes: CERKL (CERK like autophagy regulator; minus strand), ITGA4 (integrin subunit alpha 4; plus strand). Cytogenetic location: 2q31.3.
Variant type: single nucleotide variant.
Coding change: c.1566T>G on transcript NM_201548.5 (MANE Select); coding-DNA position 1566, T replaced by G.
Protein change: p.Tyr522Ter; replaces tyrosine 522 with a stop codon.
Molecular consequence: nonsense. On other transcripts: 3 prime UTR variant (1), non-coding transcript variant (2).
Genome position (GRCh38, 1-based): chr2:181,538,217, A>C on the plus strand (T>G on the coding strand, the complement: CERKL is on the minus strand). VCF-style: chr2-181538217-A-C. GRCh37 (hg19) VCF-style: chr2-182402944-A-C.
Other names: NC_000002.11:g.182402944A>C; c.*2690A>C (NM_000885.6); c.1644T>G, p.Tyr548Ter (NM_001030311.3); c.1227T>G, p.Tyr409Ter (NM_001030312.3); c.1359T>G, p.Tyr453Ter (NM_001030313.3); c.1512T>G, p.Tyr504Ter (NM_001160277.2); short protein forms Y522*, Y504*, Y548*, Y409*, Y453*.
Identifiers: ClinVar variation 866584 (VCV000866584.5), dbSNP rs1278226911, ClinGen allele CA349732683.